The following is an entry in ClinVar:

NM_001363118.2(SLC52A2):c.1307G>A (p.Arg436Lys)

Gene: SLC52A2 (solute carrier family 52 member 2; plus strand). Cytogenetic location: 8q24.3.
Variant type: single nucleotide variant.
Coding change: c.1307G>A on transcript NM_001363118.2 (MANE Select); coding-DNA position 1307, G replaced by A.
Protein change: p.Arg436Lys; replaces arginine 436 with lysine.
Molecular consequence: missense variant. On other transcripts: non-coding transcript variant (1).
Genome position (GRCh38, 1-based): chr8:144,360,984, G>A. VCF-style: chr8-144360984-G-A. GRCh37 (hg19) VCF-style: chr8-145584644-G-A.
Other names: c.1307G>A, p.Arg436Lys (NM_001253815.2, NM_001253816.2, NM_001363120.2 and 2 more transcripts); c.815G>A, p.Arg272Lys (NM_001363122.2); short protein forms R436K, R272K.
Identifiers: ClinVar variation 577810 (VCV000577810.10), dbSNP rs372200881, ClinGen allele CA4938466.
Genomic context (GRCh38, chr8:144,360,984, plus strand): 5'-CTCTGCTCGGCGCTGTTGCTATGTTCCCCCCGACCAGCATCTATCACGTGTTCCACAGCA[G>A]AAAGGACTGTGCAGACCCCTGTGACTCCTGAGCCTGGGCAGGTGGGGACCCCGCTCCCCA-3'
Protein context (NP_001350047.1, residues 426-445): PTSIYHVFHS[Arg436Lys]KDCADPCDS

ClinVar aggregate classification (germline): Uncertain significance. Review status: criteria provided, multiple submitters, no conflicts (2 of 4 stars). 4 submissions from 4 submitters: Uncertain significance (4). Last evaluated 2024-01-03.

Conditions:
Inborn genetic diseases. Identifiers: MedGen C0950123, MeSH D030342.
Brown-Vialetto-van Laere syndrome 2. Also called: Riboflavin transporter deficiency type 2; SPINOCEREBELLAR ATAXIA WITH BLINDNESS AND DEAFNESS 2. Identifiers: Orphanet 572543, Orphanet 97229, MedGen C3553538, MONDO:0013867, OMIM 614707.

Allele frequency attached by ClinVar (database versions not stated): gnomAD exomes 0.00004 and 0.00003; TOPMed 0.00003; ExAC 0.00004; ESP Exome Variant Server 0.00008; gnomAD 0.00004.

Submissions (4):

Ambry Genetics
Classification: Uncertain significance for Inborn genetic diseases. Last evaluated: 2024-01-03. Review status: criteria provided, single submitter. Criteria: Ambry Variant Classification Scheme 2023. Collection method: clinical testing. Allele origin: germline.

Labcorp Genetics (formerly Invitae), Labcorp
Classification: Uncertain significance for Brown-Vialetto-van Laere syndrome 2. Last evaluated: 2022-05-21. Review status: criteria provided, single submitter. Criteria: Invitae Variant Classification Sherloc (09022015). Collection method: clinical testing. Allele origin: germline.
Comment: This sequence change replaces arginine, which is basic and polar, with lysine, which is basic and polar, at codon 436 of the SLC52A2 protein (p.Arg436Lys). This variant is present in population databases (rs372200881, gnomAD 0.008%). This variant has not been reported in the literature in individuals affected with SLC52A2-related conditions. ClinVar contains an entry for this variant (Variation ID: 577810). Advanced modeling of protein sequence and biophysical properties (such as structural, functional, and spatial information, amino acid conservation, physicochemical variation, residue mobility, and thermodynamic stability) performed at Invitae indicates that this missense variant is not expected to disrupt SLC52A2 protein function. In summary, the available evidence is currently insufficient to determine the role of this variant in disease. Therefore, it has been classified as a Variant of Uncertain Significance.

Mayo Clinic Laboratories, Mayo Clinic
Classification: Uncertain significance. Last evaluated: 2020-11-12. Review status: criteria provided, single submitter. Criteria: ACMG Guidelines, 2015. Collection method: clinical testing. Allele origin: germline. Observed: 1 variant allele.

Blueprint Genetics
Classification: Uncertain significance. Last evaluated: 2019-07-11. Review status: criteria provided, single submitter. Criteria: ACMG Guidelines, 2015. Collection method: clinical testing. Allele origin: germline.